The following is an entry in ClinVar:

NM_000051.4(ATM):c.1842T>A (p.Ser614Arg)

Gene: ATM (ATM serine/threonine kinase; plus strand). Cytogenetic location: 11q22.3.
Variant type: single nucleotide variant.
Coding change: c.1842T>A on transcript NM_000051.4 (MANE Select); coding-DNA position 1842, T replaced by A.
Protein change: p.Ser614Arg; replaces serine 614 with arginine.
Molecular consequence: missense variant.
Genome position (GRCh38, 1-based): chr11:108,252,856, T>A. VCF-style: chr11-108252856-T-A. GRCh37 (hg19) VCF-style: chr11-108123583-T-A.
Other names: c.1842T>A, p.Ser614Arg (NM_001351834.2); short protein forms S614R.
Identifiers: ClinVar variation 407447 (VCV000407447.9), dbSNP rs1060501523, ClinGen allele CA16613015.

ClinVar aggregate classification (germline): Uncertain significance. Review status: criteria provided, multiple submitters, no conflicts (2 of 4 stars). 3 submissions from 3 submitters: Uncertain significance (3). Last evaluated 2025-06-17.

Conditions:
ATM-related disorder. Also called: ATM-related disorders; ATM-related condition.
Familial cancer of breast. Also called: hereditary breast carcinoma; BREAST CANCER, FAMILIAL; Hereditary breast cancer. Identifiers: Orphanet 227535, MedGen C0346153, MONDO:0016419, OMIM 114480. Disease mechanism: loss of function.
Ataxia-telangiectasia syndrome (AT). Also called: LOUIS-BAR SYNDROME; Cerebello-oculocutaneous telangiectasia; Immunodeficiency with ataxia telangiectasia; Ataxia-telangiectasia, complementation group E; Ataxia-telangiectasia, complementation group D; AT, COMPLEMENTATION GROUP C. Identifiers: Orphanet 100, MedGen C0004135, MONDO:0008840, OMIM 208900.

Submissions (3):

PreventionGenetics, part of Exact Sciences
Classification: Uncertain significance for ATM-related condition. Last evaluated: 2025-06-17. Review status: criteria provided, single submitter. Criteria: ACMG Guidelines, 2015. Collection method: clinical testing. Allele origin: germline.
Comment: The ATM c.1842T>A variant is predicted to result in the amino acid substitution p.Ser614Arg. To our knowledge, this variant has not been reported in the literature or in a large population database (gnomAD), indicating this variant is rare. At this time, the clinical significance of this variant is uncertain due to the absence of conclusive functional and genetic evidence.

Department of Pathology and Laboratory Medicine, Sinai Health System
Classification: Uncertain significance for Familial cancer of breast. Last evaluated: 2023-04-11. Review status: criteria provided, single submitter. Criteria: ACMG Guidelines, 2015. Collection method: clinical testing. Allele origin: germline. Affected: yes.

Labcorp Genetics (formerly Invitae), Labcorp
Classification: Uncertain significance for Ataxia-telangiectasia syndrome. Last evaluated: 2021-12-09. Review status: criteria provided, single submitter. Criteria: Invitae Variant Classification Sherloc (09022015). Collection method: clinical testing. Allele origin: germline.
Comment: This sequence change replaces serine, which is neutral and polar, with arginine, which is basic and polar, at codon 614 of the ATM protein (p.Ser614Arg). This variant is not present in population databases (gnomAD no frequency). This variant has not been reported in the literature in individuals affected with ATM-related conditions. ClinVar contains an entry for this variant (Variation ID: 407447). Advanced modeling of protein sequence and biophysical properties (such as structural, functional, and spatial information, amino acid conservation, physicochemical variation, residue mobility, and thermodynamic stability) performed at Invitae indicates that this missense variant is not expected to disrupt ATM protein function. In summary, the available evidence is currently insufficient to determine the role of this variant in disease. Therefore, it has been classified as a Variant of Uncertain Significance.